The following is an entry in ClinVar:

NM_032551.5(KISS1R):c.1167C>A (p.Cys389Ter)

Gene: KISS1R (KISS1 receptor; plus strand). Cytogenetic location: 19p13.3.
Variant type: single nucleotide variant.
Coding change: c.1167C>A on transcript NM_032551.5 (MANE Select); coding-DNA position 1167, C replaced by A.
Protein change: p.Cys389Ter; replaces cysteine 389 with a stop codon.
Molecular consequence: nonsense.
Genome position (GRCh38, 1-based): chr19:920,718, C>A. VCF-style: chr19-920718-C-A. GRCh37 (hg19) VCF-style: chr19-920718-C-A.
Other names: short protein forms C389*.
Identifiers: ClinVar variation 435653 (VCV000435653.16), dbSNP rs371771794, ClinGen allele CA9028920.

ClinVar aggregate classification (germline): Conflicting classifications of pathogenicity. Review status: criteria provided, conflicting classifications (1 of 4 stars). 5 submissions from 5 submitters: Likely pathogenic (1); Uncertain significance (4). Last evaluated 2025-09-20.

Conditions:
KISS1R-related disorder. Also called: KISS1R-related condition.

Allele frequency attached by ClinVar (database versions not stated): ESP Exome Variant Server 0.00009; TOPMed 0.00033; gnomAD exomes 0.00036; gnomAD 0.00038; 1000 Genomes Project 0.00040; 1000 Genomes Project 30x 0.00047.
gnomAD v4.1: 518 of 1,304,108 alleles (0.04%); highest among the groups gnomAD compares: South Asian, 0.076%; 1 homozygote.

Submissions (5):

Labcorp Genetics (formerly Invitae), Labcorp
Classification: Uncertain significance. Last evaluated: 2025-09-20. Review status: criteria provided, single submitter. Criteria: Invitae Variant Classification Sherloc (09022015). Collection method: clinical testing. Allele origin: germline.
Comment: This sequence change creates a premature translational stop signal (p.Cys389*) in the KISS1R gene. While this is not anticipated to result in nonsense mediated decay, it is expected to disrupt the last 10 amino acid(s) of the KISS1R protein. The frequency data for this variant in the population databases is considered unreliable, as metrics indicate poor data quality at this position in the gnomAD database. This premature translational stop signal has been observed in individual(s) with KISS1R-related conditions (PMID: 21209029, 24522099, 36531499). This variant is also known as GPR54 C389X. ClinVar contains an entry for this variant (Variation ID: 435653). Experimental studies and prediction algorithms are not available or were not evaluated, and the functional significance of this variant is currently unknown. Algorithms developed to predict the effect of sequence changes on RNA splicing suggest that this variant may create or strengthen a splice site. In summary, the available evidence is currently insufficient to determine the role of this variant in disease. Therefore, it has been classified as a Variant of Uncertain Significance.

PreventionGenetics, part of Exact Sciences
Classification: Likely pathogenic for KISS1R-related condition. Last evaluated: 2025-06-04. Review status: criteria provided, single submitter. Criteria: ACMG Guidelines, 2015. Collection method: clinical testing. Allele origin: germline.
Comment: The KISS1R c.1167C>A variant is predicted to result in premature protein termination (p.Cys389*). This variant has been reported in two patients with GnRH deficiency or congenital hypothyroidism, although information on a second potentially causative variant was not presented (Table S1, Shaw et al. 2011. PubMed ID: 21209029; Table S2, Federici et al. 2022. PubMed ID: 36531499). This variant is reported in 0.10% of alleles in individuals of South Asian descent in gnomAD. Although this variant occurs in the last exon, downstream protein truncating variants have been reported as pathogenic (Seminara et al. 2003. PubMed ID: 14573733; Moalla et al. 2019. PubMed ID: 31073722). This variant is interpreted as likely pathogenic.

Women's Health and Genetics/Laboratory Corporation of America, LabCorp
Classification: Uncertain significance. Last evaluated: 2023-10-16. Review status: criteria provided, single submitter. Criteria: LabCorp Variant Classification Summary - May 2015. Collection method: clinical testing. Allele origin: germline.
Comment: Variant summary: KISS1R c.1167C>A (p.Cys389X) results in a premature termination codon, predicted to cause a truncation of the encoded protein. This variant was predicted as not involved in nonsense mediated decay. The variant allele was found at a frequency of 0.00034 in 34898 control chromosomes (gnomAD). c.1167C>A has been reported in the literature in individuals affected with Hypogonadotropic Hypogonadism (Shaw_2011, Knskoski_2014, Cangiano_2019). These reports do not provide unequivocal conclusions about association of the variant with Hypogonadotropic Hypogonadism 8 With Or Without Anosmia. To our knowledge, no experimental evidence demonstrating an impact on protein function has been reported. The following publications have been ascertained in the context of this evaluation (PMID: 30669598, 24522099, 21209029, 21704672). Three submitters have cited clinical-significance assessments for this variant to ClinVar after 2014. All submitters classified the variant as uncertain significance. Based on the evidence outlined above, the variant was classified as uncertain significance.

GeneDx
Classification: Uncertain significance. Last evaluated: 2019-06-12. Review status: criteria provided, single submitter. Criteria: GeneDx Variant Classification Process June 2021. Collection method: clinical testing. Allele origin: germline. Affected: yes.
Comment: Identified in two individuals with normosmic hypogonadotropic hypogonadism; however, neither individual was reported to have a second KISS1R variant and it is unclear whether the presence of variants in other genes associated with hypogonadotropic hypogonadism was excluded (Shaw et al., 2011; Kansakoski et al., 2014); Nonsense variant predicted to result in protein truncation, although loss-of-function variants have not been reported downstream of this position in the protein; This variant is associated with the following publications: (PMID: 24522099, 21209029)

Genetic Services Laboratory, University of Chicago
Classification: Uncertain significance. Last evaluated: 2016-08-10. Review status: criteria provided, single submitter. Criteria: ACMG Guidelines, 2015. Collection method: clinical testing. Allele origin: germline. Affected: no.

Literature cited by the submitters: PubMed 21209029 (cited by Labcorp Genetics (formerly Invitae), Labcorp and Women's Health and Genetics/Laboratory Corporation of America, LabCorp); PubMed 24522099 (cited by Labcorp Genetics (formerly Invitae), Labcorp and Women's Health and Genetics/Laboratory Corporation of America, LabCorp); PubMed 36531499 (cited by Labcorp Genetics (formerly Invitae), Labcorp); PubMed 30669598 (cited by Women's Health and Genetics/Laboratory Corporation of America, LabCorp); PubMed 21704672 (cited by Women's Health and Genetics/Laboratory Corporation of America, LabCorp).